The following is an entry in ClinVar:

NM_053013.4(ENO3):c.181+6_181+8del

Gene: ENO3 (enolase 3; plus strand). Cytogenetic location: 17p13.2.
Variant type: Microsatellite.
Coding change: c.181+6_181+8del on transcript NM_053013.4 (MANE Select); bases 6 to 8 of the intron after coding-DNA position 181, 3 bases deleted (GAG; older notation c.181+6_181+8delGAG).
Molecular consequence: intron variant.
Genome position (GRCh38, 1-based): chr17:4,952,896-4,952,898, GAG deleted; deleting any 3 consecutive bases within chr17:4,952,893-4,952,898 gives the same sequence; the c. name uses the placement nearest the transcript's 3' end. VCF-style (leftmost placement, unchanged base first): chr17-4952892-TGAG-T. GRCh37 (hg19) VCF-style: chr17-4856187-TGAG-T.
Other names: c.208+6_208+8del (NM_001374524.1); c.181+6_181+8del (NM_001976.5, NM_001374523.1, NM_001193503.2).
Identifiers: ClinVar variation 2111817 (VCV002111817.4), dbSNP rs763535870, ClinGen allele CA8316163.

ClinVar aggregate classification (germline): Uncertain significance (1 of 4 stars; one submission).

Conditions:
Glycogen storage disease due to muscle beta-enolase deficiency (GSD13). Also called: ENOLASE 3 DEFICIENCY; ENOLASE-BETA DEFICIENCY; GSD XIII; Glycogen Storage Disease Type XIII. Identifiers: Orphanet 99849, MedGen C2752027, MONDO:0013046, OMIM 612932.

Submission:

Labcorp Genetics (formerly Invitae), Labcorp
Classification: Uncertain significance for Glycogen storage disease due to muscle beta-enolase deficiency. Last evaluated: 2022-03-26. Review status: criteria provided, single submitter. Criteria: Invitae Variant Classification Sherloc (09022015). Collection method: clinical testing. Allele origin: germline.
Comment: This sequence change falls in intron 3 of the ENO3 gene. It does not directly change the encoded amino acid sequence of the ENO3 protein. It affects a nucleotide within the consensus splice site. This variant is present in population databases (rs763535870, gnomAD 0.006%). In summary, the available evidence is currently insufficient to determine the role of this variant in disease. Therefore, it has been classified as a Variant of Uncertain Significance. Variants that disrupt the consensus splice site are a relatively common cause of aberrant splicing (PMID: 17576681, 9536098). Algorithms developed to predict the effect of sequence changes on RNA splicing suggest that this variant is not likely to affect RNA splicing. This variant has not been reported in the literature in individuals affected with ENO3-related conditions.

Literature cited by the submitters: PubMed 17576681; PubMed 9536098.